The following is an entry in ClinVar:

ClinVar aggregate classification (germline): Uncertain significance (1 of 4 stars; one submission).

Conditions:
Alzheimer disease. Also called: Presenile and senile dementia; Alzheimer's disease. Identifiers: Orphanet 1020, MedGen C0002395, MeSH D000544, MONDO:0004975, HP:0002511.

Submission:

Labcorp Genetics (formerly Invitae), Labcorp
Classification: Uncertain significance for Alzheimer disease. Last evaluated: 2025-07-31. Review status: criteria provided, single submitter. Criteria: Invitae Variant Classification Sherloc (09022015). Collection method: clinical testing. Allele origin: germline.
Comment: This sequence change replaces glutamic acid, which is acidic and polar, with aspartic acid, which is acidic and polar, at codon 638 of the APP protein (p.Glu638Asp). This variant is not present in population databases (gnomAD no frequency). This variant has not been reported in the literature in individuals affected with APP-related conditions. Invitae Evidence Modeling of protein sequence and biophysical properties (such as structural, functional, and spatial information, amino acid conservation, physicochemical variation, residue mobility, and thermodynamic stability) has been performed for this missense variant. However, the output from this modeling did not meet the statistical confidence thresholds required to predict the impact of this variant on APP protein function. In summary, the available evidence is currently insufficient to determine the role of this variant in disease. Therefore, it has been classified as a Variant of Uncertain Significance.

NM_000484.4(APP):c.1914G>C (p.Glu638Asp)

Gene: APP (amyloid beta precursor protein; minus strand). Cytogenetic location: 21q21.3.
Variant type: single nucleotide variant.
Coding change: c.1914G>C on transcript NM_000484.4 (MANE Select); coding-DNA position 1914, G replaced by C.
Protein change: p.Glu638Asp; replaces glutamic acid 638 with aspartic acid.
Molecular consequence: missense variant. On other transcripts: intron variant (3).
Genome position (GRCh38, 1-based): chr21:25,905,073, C>G on the plus strand (G>C on the coding strand, the complement: APP is on the minus strand). VCF-style: chr21-25905073-C-G. GRCh37 (hg19) VCF-style: chr21-27277385-C-G.
Other names: c.1842G>C, p.Glu614Asp (NM_001136016.3); c.1521G>C, p.Glu507Asp (NM_001136129.3); c.1746G>C, p.Glu582Asp (NM_001136130.3, NM_001385253.1); c.1584G>C, p.Glu528Asp (NM_001136131.3); c.1857G>C, p.Glu619Asp (NM_201413.3); c.1689G>C, p.Glu563Asp (NM_201414.3); c.1684+6668G>C (NM_001204303.2); c.1852+6668G>C (NM_001204302.2); and 1 more; short protein forms E507D, E582D, E614D, E619D, E638D, E528D, E563D.
Identifiers: ClinVar variation 4780781 (VCV004780781.1).